The following is an entry in ClinVar:

NM_002691.4(POLD1):c.2816_2817insT (p.Glu940fs)

Gene: POLD1 (DNA polymerase delta 1, catalytic subunit; plus strand). Cytogenetic location: 19q13.33.
Variant type: Insertion.
Coding change: c.2816_2817insT on transcript NM_002691.4 (MANE Select); coding-DNA positions 2816 to 2817, T inserted.
Protein change: p.Glu940fs; shifts the reading frame from glutamic acid 940.
Molecular consequence: frameshift variant.
Genome position: GRCh38 VCF-style: chr19-50415822-C-CT. GRCh37 (hg19) VCF-style: chr19-50919079-C-CT.
Other names: c.2816_2817insT, p.Glu940fs (NM_001256849.1); c.2894_2895insT, p.Glu966fs (NM_001308632.1); short protein forms E966fs, E940fs.
Identifiers: ClinVar variation 2057807 (VCV002057807.4), dbSNP rs2514059226, ClinGen allele CA2580097828.

ClinVar aggregate classification (germline): Uncertain significance (1 of 4 stars; one submission).

Conditions:
POLD1-related polyposis and colorectal cancer syndrome (CRCS10). Also called: Colorectal cancer 10; COLORECTAL CANCER, SUSCEPTIBILITY TO, ON CHROMOSOME 19q; Colorectal cancer, susceptibility to, 10. Identifiers: Orphanet 220460, MedGen C2675481, MONDO:0012953, OMIM 612591.

Submission:

Labcorp Genetics (formerly Invitae), Labcorp
Classification: Uncertain significance for POLD1-related polyposis and colorectal cancer syndrome. Last evaluated: 2021-12-24. Review status: criteria provided, single submitter. Criteria: Invitae Variant Classification Sherloc (09022015). Collection method: clinical testing. Allele origin: germline.
Comment: In summary, the available evidence is currently insufficient to determine the role of this variant in disease. Therefore, it has been classified as a Variant of Uncertain Significance. This variant has not been reported in the literature in individuals affected with POLD1-related conditions. This variant is not present in population databases (gnomAD no frequency). This sequence change creates a premature translational stop signal (p.Glu940Glyfs*14) in the POLD1 gene. Missense variants that disrupt the 3'-5' exonuclease (proof-reading) activity of the POLD1 protein are associated with an increased risk for colonic adenomatous polyps and colon cancer (PMID: 23263490, 23447401). However, loss-of-function variants that result in an absent or severely disrupted POLD1 protein, and missense variants outside the exonuclease domain, are unlikely to be associated with polyposis or colon cancer.

Literature cited by the submitters: PubMed 23263490; PubMed 23447401.